The following is an entry in ClinVar:

ClinVar aggregate classification (germline): Likely benign. Review status: criteria provided, multiple submitters, no conflicts (2 of 4 stars). 3 submissions from 3 submitters: Likely benign (3). Last evaluated 2023-11-15.

Conditions:
RYR1-related disorder. Also called: RYR1-related condition; RYR1-related disorders. Identifiers: MedGen CN239331.
Malignant hyperthermia, susceptibility to, 1 (MHS1). Also called: RYR1-Related Malignant Hyperthermia Susceptibility; Anesthesia related hyperthermia; Malignant hyperpyrexia; Fulminating hyperpyrexia; Pharmacogenic myopathy; Malignant hyperthermia suceptibility 1. Identifiers: Orphanet 423, MedGen C2930980, MONDO:0007783, OMIM 145600.

Allele frequency attached by ClinVar (database versions not stated): gnomAD exomes below 0.00001; ExAC 0.00001.
gnomAD v4.1: 3 of 1,613,886 alleles (0.00019%); highest among the groups gnomAD compares: East Asian, 0.0067%; no homozygotes.

Submissions (3):

Labcorp Genetics (formerly Invitae), Labcorp
Classification: Likely benign for RYR1-related disorder. Last evaluated: 2023-11-15. Review status: criteria provided, single submitter. Criteria: Invitae Variant Classification Sherloc (09022015). Collection method: clinical testing. Allele origin: germline.

All of Us Research Program, National Institutes of Health
Classification: Likely benign for Malignant hyperthermia, susceptibility to, 1. Last evaluated: 2023-06-28. Review status: criteria provided, single submitter. Criteria: ACMG Guidelines, 2015. Collection method: clinical testing. Allele origin: germline. Inheritance: Autosomal dominant inheritance. Observed: 2 variant alleles, 2 heterozygotes.
Comment: This study involves interpretation of variants in research participants for the purpose of population health screening. Participant phenotype was not available at the time of variant classification. Additional details can be found in publication PMID: 35346344, PMCID: PMC8962531

Blueprint Genetics
Classification: Likely benign. Last evaluated: 2023-02-24. Review status: criteria provided, single submitter. Criteria: ACMG Guidelines, 2015. Collection method: clinical testing. Allele origin: germline.

NM_000540.3(RYR1):c.3813G>C (p.Leu1271=)

Gene: RYR1 (ryanodine receptor 1; plus strand). Cytogenetic location: 19q13.2.
Variant type: single nucleotide variant.
Coding change: c.3813G>C on transcript NM_000540.3 (MANE Select); coding-DNA position 3813, G replaced by C.
Protein change: p.Leu1271=; no amino-acid change (leucine 1271 retained).
Molecular consequence: synonymous variant.
Genome position (GRCh38, 1-based): chr19:38,473,424, G>C. VCF-style: chr19-38473424-G-C. GRCh37 (hg19) VCF-style: chr19-38964064-G-C.
Other names: c.3813G>C, p.Leu1271= (NM_001042723.2).
Identifiers: ClinVar variation 2144491 (VCV002144491.6), dbSNP rs767708802, ClinGen allele CA065229.